The following is an entry in ClinVar:

NM_001134673.4(NFIA):c.978G>A (p.Ser326=)

Gene: NFIA (nuclear factor I A; plus strand). Cytogenetic location: 1p31.3.
Variant type: single nucleotide variant.
Coding change: c.978G>A on transcript NM_001134673.4 (MANE Select); coding-DNA position 978, G replaced by A.
Protein change: p.Ser326=; no amino-acid change (serine 326 retained).
Molecular consequence: synonymous variant.
Genome position (GRCh38, 1-based): chr1:61,383,268, G>A. VCF-style: chr1-61383268-G-A. GRCh37 (hg19) VCF-style: chr1-61848940-G-A.
Other names: c.954G>A, p.Ser318= (NM_001145511.2); c.1113G>A, p.Ser371= (NM_001145512.2); c.978G>A, p.Ser326= (NM_005595.5); c.978G>A (NM_005595.4).
Identifiers: ClinVar variation 1987451 (VCV001987451.13), dbSNP rs148640543, ClinGen allele CA881090.
Genomic context (GRCh38, chr1:61,383,268, plus strand): 5'-TGTACTTACCAGTTGATCCTTCTTGCCAGGAATGCCATCTCCAACCACACTGAAGAAGTC[G>A]GAGAAGTCTGGTTTCAGCAGCCCCTCCCCTTCACAGACCTCCTCCCTGGGAACGGCGTTC-3'
Protein context (NP_001128145.1, residues 316-336): GMPSPTTLKK[Ser326=]EKSGFSSPSP

ClinVar aggregate classification (germline): Benign/Likely benign. Review status: criteria provided, multiple submitters, no conflicts (2 of 4 stars). 3 submissions from 3 submitters: Benign (1); Likely benign (1). 1 of the submissions does not count toward it. Last evaluated 2025-11-03.

Conditions:
NFIA-Related Disorder. Also called: NFIA-related condition; NFIA-related disorders. Identifiers: MedGen CN381099.

Allele frequency attached by ClinVar (database versions not stated): TOPMed 0.00013; ESP Exome Variant Server 0.00015; gnomAD 0.00017; ExAC 0.00034; 1000 Genomes Project 30x 0.00062; 1000 Genomes Project 0.00080.
gnomAD v4.1: 250 of 1,613,982 alleles (0.015%); highest among the groups gnomAD compares: South Asian, 0.19%; 1 homozygote.

Submissions (3):

Labcorp Genetics (formerly Invitae), Labcorp
Classification: Benign. Last evaluated: 2025-11-03. Review status: criteria provided, single submitter. Criteria: Invitae Variant Classification Sherloc (09022015). Collection method: clinical testing. Allele origin: germline.

CeGaT Center for Human Genetics Tuebingen
Classification: Likely benign. Last evaluated: 2025-02-01. Review status: criteria provided, single submitter. Criteria: CeGaT Center For Human Genetics Tuebingen Variant Classification Criteria Version 2. Collection method: clinical testing. Allele origin: germline. Affected: yes. Observed: 1 variant allele.
Comment: NFIA: BP4, BP7

PreventionGenetics, part of Exact Sciences
Classification: Likely benign for NFIA-related condition. Last evaluated: 2019-04-15. Review status: no assertion criteria provided. Collection method: clinical testing. Allele origin: germline. Not counted in ClinVar's aggregate classification.
Comment: This variant is classified as likely benign based on ACMG/AMP sequence variant interpretation guidelines (Richards et al. 2015 PMID: 25741868, with internal and published modifications).